The following is an entry in ClinVar:

NM_000051.4(ATM):c.8230_8231delinsT (p.Thr2743_Glu2744insTer)

Genes: ATM (ATM serine/threonine kinase; plus strand), C11orf65 (chromosome 11 open reading frame 65; minus strand). Cytogenetic location: 11q22.3.
Variant type: Indel.
Coding change: c.8230_8231delinsT on transcript NM_000051.4 (MANE Select); coding-DNA positions 8230 to 8231, GA replaced by T.
Protein change: p.Thr2743_Glu2744insTer.
Molecular consequence: nonsense. On other transcripts: intron variant (2).
Genome position (GRCh38, 1-based): chr11:108,335,923-108,335,924, GA replaced by T. VCF-style: chr11-108335923-GA-T. GRCh37 (hg19) VCF-style: chr11-108206650-GA-T.
Other names: c.8230_8231delinsT, p.Thr2743_Glu2744insTer (NM_001351834.2); c.641-26853_641-26852delinsA (NM_001330368.2); c.695-632_695-631delinsA (NM_001351110.2).
Identifiers: ClinVar variation 3148500 (VCV003148500.1), dbSNP rs2547347880, ClinGen allele CA2825001968.

ClinVar aggregate classification (germline): Pathogenic (1 of 4 stars; one submission).

Conditions:
Familial cancer of breast. Also called: hereditary breast carcinoma; BREAST CANCER, FAMILIAL; Hereditary breast cancer. Identifiers: Orphanet 227535, MedGen C0346153, MONDO:0016419, OMIM 114480. Disease mechanism: loss of function.

Submission:

Myriad Genetics, Inc.
Classification: Pathogenic for Familial cancer of breast. Last evaluated: 2024-02-02. Review status: criteria provided, single submitter. Criteria: Myriad Autosomal Dominant, Autosomal Recessive and X-Linked Classification Criteria (2023). Collection method: clinical testing. Allele origin: unknown.
Comment: This variant is considered pathogenic. This variant creates a termination codon and is predicted to result in premature protein truncation.